The following is an entry in ClinVar:

NM_000057.4(BLM):c.2576G>A (p.Arg859Lys)

Gene: BLM (BLM RecQ like helicase; plus strand). Cytogenetic location: 15q26.1.
Variant type: single nucleotide variant.
Coding change: c.2576G>A on transcript NM_000057.4 (MANE Select); coding-DNA position 2576, G replaced by A.
Protein change: p.Arg859Lys; replaces arginine 859 with lysine.
Molecular consequence: missense variant.
Genome position (GRCh38, 1-based): chr15:90,782,842, G>A. VCF-style: chr15-90782842-G-A. GRCh37 (hg19) VCF-style: chr15-91326072-G-A.
Other names: c.2576G>A, p.Arg859Lys (NM_001287246.2, NM_001287247.2); c.1451G>A, p.Arg484Lys (NM_001287248.2); short protein forms R484K, R859K.
Identifiers: ClinVar variation 1793309 (VCV001793309.5), dbSNP rs1896650908, ClinGen allele CA393845628.

ClinVar aggregate classification (germline): Uncertain significance. Review status: criteria provided, multiple submitters, no conflicts (2 of 4 stars). 2 submissions from 2 submitters: Uncertain significance (2). Last evaluated 2023-07-25.

Conditions:
Hereditary cancer-predisposing syndrome. Also called: Tumor predisposition; Hereditary Cancer Syndrome; Neoplastic Syndromes, Hereditary; Hereditary neoplastic syndrome. Identifiers: Orphanet 140162, MedGen C0027672, MeSH D009386, MONDO:0015356.
Bloom syndrome (BLM). Also called: Bloom-Torre-Machacek syndrome. Identifiers: Orphanet 125, MedGen C0005859, MONDO:0008876, OMIM 210900.

Allele frequency attached by ClinVar (database versions not stated): TOPMed 0.00001.

Submissions (2):

Labcorp Genetics (formerly Invitae), Labcorp
Classification: Uncertain significance for Bloom syndrome. Last evaluated: 2023-07-25. Review status: criteria provided, single submitter. Criteria: Invitae Variant Classification Sherloc (09022015). Collection method: clinical testing. Allele origin: germline.
Comment: This sequence change replaces arginine, which is basic and polar, with lysine, which is basic and polar, at codon 859 of the BLM protein (p.Arg859Lys). In summary, the available evidence is currently insufficient to determine the role of this variant in disease. Therefore, it has been classified as a Variant of Uncertain Significance. Advanced modeling of protein sequence and biophysical properties (such as structural, functional, and spatial information, amino acid conservation, physicochemical variation, residue mobility, and thermodynamic stability) performed at Invitae indicates that this missense variant is expected to disrupt BLM protein function. ClinVar contains an entry for this variant (Variation ID: 1793309). This variant has not been reported in the literature in individuals affected with BLM-related conditions. This variant is not present in population databases (gnomAD no frequency).

Ambry Genetics
Classification: Uncertain significance for Hereditary cancer-predisposing syndrome. Last evaluated: 2022-07-08. Review status: criteria provided, single submitter. Criteria: Ambry Variant Classification Scheme 2023. Collection method: clinical testing. Allele origin: germline.
Comment: The p.R859K variant (also known as c.2576G>A), located in coding exon 12 of the BLM gene, results from a G to A substitution at nucleotide position 2576. The arginine at codon 859 is replaced by lysine, an amino acid with highly similar properties. This amino acid position is highly conserved in available vertebrate species. In addition, this alteration is predicted to be deleterious by in silico analysis. Since supporting evidence is limited at this time, the clinical significance of this alteration remains unclear.